The following is an entry in ClinVar:

ClinVar aggregate classification (germline): Uncertain significance (1 of 4 stars; one submission).

Conditions:
Spastic paraplegia. Identifiers: MedGen C0037772, HP:0001258.

Submission:

Labcorp Genetics (formerly Invitae), Labcorp
Classification: Uncertain significance for Spastic paraplegia. Last evaluated: 2022-05-08. Review status: criteria provided, single submitter. Criteria: Invitae Variant Classification Sherloc (09022015). Collection method: clinical testing. Allele origin: germline.
Comment: This sequence change replaces leucine, which is neutral and non-polar, with phenylalanine, which is neutral and non-polar, at codon 1162 of the ZFYVE26 protein (p.Leu1162Phe). This variant is not present in population databases (gnomAD no frequency). This variant has not been reported in the literature in individuals affected with ZFYVE26-related conditions. Algorithms developed to predict the effect of missense changes on protein structure and function are either unavailable or do not agree on the potential impact of this missense change (SIFT: "Deleterious"; PolyPhen-2: "Benign"; Align-GVGD: "Class C0"). In summary, the available evidence is currently insufficient to determine the role of this variant in disease. Therefore, it has been classified as a Variant of Uncertain Significance.

NM_015346.4(ZFYVE26):c.3484C>T (p.Leu1162Phe)

Gene: ZFYVE26 (zinc finger FYVE-type containing 26; minus strand). Cytogenetic location: 14q24.1.
Variant type: single nucleotide variant.
Coding change: c.3484C>T on transcript NM_015346.4 (MANE Select); coding-DNA position 3484, C replaced by T.
Protein change: p.Leu1162Phe; replaces leucine 1162 with phenylalanine.
Molecular consequence: missense variant.
Genome position (GRCh38, 1-based): chr14:67,785,098, G>A on the plus strand (C>T on the coding strand, the complement: ZFYVE26 is on the minus strand). VCF-style: chr14-67785098-G-A. GRCh37 (hg19) VCF-style: chr14-68251815-G-A.
Other names: short protein forms L1162F.
Identifiers: ClinVar variation 1958404 (VCV001958404.5), dbSNP rs1279851550, ClinGen allele CA390172138.